The following is an entry in ClinVar:

NM_006580.4(CLDN16):c.-41G>C

Gene: CLDN16 (claudin 16; plus strand). Cytogenetic location: 3q28.
Variant type: single nucleotide variant.
Coding change: c.-41G>C on transcript NM_006580.4 (MANE Select); 41 bases upstream of the start codon, G replaced by C.
Molecular consequence: 5 prime UTR variant.
Genome position (GRCh38, 1-based): chr3:190,388,289, G>C. VCF-style: chr3-190388289-G-C. GRCh37 (hg19) VCF-style: chr3-190106078-G-C.
Other names: c.-41G>C (NM_001378492.1, NM_001378493.1).
Identifiers: ClinVar variation 1994354 (VCV001994354.4), dbSNP rs149955797, ClinGen allele CA355762456.

ClinVar aggregate classification (germline): Uncertain significance (1 of 4 stars; one submission).

Submission:

Labcorp Genetics (formerly Invitae), Labcorp
Classification: Uncertain significance. Last evaluated: 2025-04-14. Review status: criteria provided, single submitter. Criteria: Invitae Variant Classification Sherloc (09022015). Collection method: clinical testing. Allele origin: germline.
Comment: This sequence change replaces glycine, which is neutral and non-polar, with alanine, which is neutral and non-polar, at codon 57 of the CLDN16 protein (p.Gly57Ala). This variant is not present in population databases (gnomAD no frequency). This variant has not been reported in the literature in individuals affected with CLDN16-related conditions. ClinVar contains an entry for this variant (Variation ID: 1994354). Invitae Evidence Modeling of protein sequence and biophysical properties (such as structural, functional, and spatial information, amino acid conservation, physicochemical variation, residue mobility, and thermodynamic stability) indicates that this missense variant is not expected to disrupt CLDN16 protein function with a negative predictive value of 95%. In summary, the available evidence is currently insufficient to determine the role of this variant in disease. Therefore, it has been classified as a Variant of Uncertain Significance.